The following is an entry in ClinVar:

NM_001382567.1(STIM1):c.1885G>A (p.Glu629Lys)

Genes: STIM1 (stromal interaction molecule 1; plus strand), LOC124418421 (Sharpr-MPRA regulatory region 9588; plus strand). Cytogenetic location: 11p15.4.
Variant type: single nucleotide variant.
Coding change: c.1885G>A on transcript NM_001382567.1 (MANE Select); coding-DNA position 1885, G replaced by A.
Protein change: p.Glu629Lys; replaces glutamic acid 629 with lysine.
Molecular consequence: missense variant. On other transcripts: 3 prime UTR variant (4), non-coding transcript variant (3).
Genome position (GRCh38, 1-based): chr11:4,091,532, G>A. VCF-style: chr11-4091532-G-A. GRCh37 (hg19) VCF-style: chr11-4112762-G-A.
Other names: c.2110G>A, p.Glu704Lys (NM_001277961.3); c.*206G>A (NM_001277962.2, NM_001382578.1, NM_001382579.1 and 1 more transcripts); c.1888G>A, p.Glu630Lys (NM_001382566.1); c.1813G>A, p.Glu605Lys (NM_001382568.1); c.1657G>A, p.Glu553Lys (NM_001382569.1); c.1564G>A, p.Glu522Lys (NM_001382570.1); c.1312G>A, p.Glu438Lys (NM_001382571.1); c.1570G>A, p.Glu524Lys (NM_001382575.1, NM_001382576.1, NM_001382577.1); and 2 more; short protein forms E435K, E438K, E522K, E524K, E553K, E598K, E605K, E629K.
Identifiers: ClinVar variation 1000321 (VCV001000321.9), dbSNP rs2094525182, ClinGen allele CA379197396.

ClinVar aggregate classification (germline): Uncertain significance (1 of 4 stars; one submission).

Conditions:
Stormorken syndrome (STRMK). Also called: THROMBOCYTOPATHY, ASPLENIA, AND MIOSIS. Identifiers: Orphanet 3204, MedGen C1861451, MONDO:0008497, OMIM 185070.
Myopathy with tubular aggregates (TAM). Also called: Tubular Aggregate Myopathy. Identifiers: Orphanet 2593, MedGen C0410207, MONDO:0008051.
Combined immunodeficiency due to STIM1 deficiency. Also called: STIM1 DEFICIENCY; IMMUNODEFICIENCY 10. Identifiers: Orphanet 169090, Orphanet 317430, MedGen C2748557, MONDO:0013008, OMIM 612783.

Allele frequency attached by ClinVar (database versions not stated): gnomAD exomes below 0.00001.
gnomAD v4.1: 2 of 1,614,170 alleles (0.00012%); highest among the groups gnomAD compares: South Asian, 0.0011%; no homozygotes.

Submission:

Labcorp Genetics (formerly Invitae), Labcorp
Classification: Uncertain significance for Myopathy with tubular aggregates; Combined immunodeficiency due to STIM1 deficiency; Stormorken syndrome. Last evaluated: 2022-02-08. Review status: criteria provided, single submitter. Criteria: Invitae Variant Classification Sherloc (09022015). Collection method: clinical testing. Allele origin: germline.
Comment: In summary, the available evidence is currently insufficient to determine the role of this variant in disease. Therefore, it has been classified as a Variant of Uncertain Significance. Algorithms developed to predict the effect of missense changes on protein structure and function are either unavailable or do not agree on the potential impact of this missense change (SIFT: "Tolerated"; PolyPhen-2: "Probably Damaging"; Align-GVGD: "Class C0"). ClinVar contains an entry for this variant (Variation ID: 1000321). This variant has not been reported in the literature in individuals affected with STIM1-related conditions. This variant is not present in population databases (gnomAD no frequency). This sequence change replaces glutamic acid, which is acidic and polar, with lysine, which is basic and polar, at codon 598 of the STIM1 protein (p.Glu598Lys).